The following is an entry in ClinVar:

ClinVar aggregate classification (germline): Likely pathogenic (1 of 4 stars; one submission).

Conditions:
Catecholaminergic polymorphic ventricular tachycardia 1. Also called: VENTRICULAR TACHYCARDIA, CATECHOLAMINERGIC POLYMORPHIC, 1, WITH OR WITHOUT ATRIAL DYSFUNCTION AND/OR DILATED CARDIOMYOPATHY; RYR2-Related Catecholaminergic Polymorphic Ventricular Tachycardia; VENTRICULAR TACHYCARDIA, STRESS-INDUCED POLYMORPHIC 1. Identifiers: Orphanet 3286, MedGen C1631597, MONDO:0011484, OMIM 604772.

Submission:

Center for Medical Genetics Ghent, University of Ghent
Classification: Likely pathogenic for Catecholaminergic polymorphic ventricular tachycardia 1. Last evaluated: 2016-07-25. Review status: criteria provided, single submitter. Criteria: ACMG Guidelines, 2015. Collection method: clinical testing. Allele origin: de novo. Affected: yes.
Comment: This variant has not been identified in large population databases (Gnomad, 1000 Genomes, Go NL, Exome Variant Server) and is predicted to have an impact on protein function according to multiple prediction programs. This variant is a de novo variant (maternity and paternity was tested).

NM_001035.3(RYR2):c.9688C>A (p.Gln3230Lys)

Gene: RYR2 (ryanodine receptor 2; plus strand). Cytogenetic location: 1q43.
Variant type: single nucleotide variant.
Coding change: c.9688C>A on transcript NM_001035.3 (MANE Select); coding-DNA position 9688, C replaced by A.
Protein change: p.Gln3230Lys; replaces glutamine 3230 with lysine.
Molecular consequence: missense variant.
Genome position (GRCh38, 1-based): chr1:237,707,056, C>A. VCF-style: chr1-237707056-C-A. GRCh37 (hg19) VCF-style: chr1-237870356-C-A.
Other names: c.9688C>A, p.Gln3230Lys (LRG_402t1); short protein forms Q3230K.
Identifiers: ClinVar variation 254161 (VCV000254161.2), dbSNP rs886037908, ClinGen allele CA10586347.